The following is an entry in ClinVar:

ClinVar aggregate classification (germline): Likely pathogenic (1 of 4 stars; one submission).

Conditions:
Bethlem myopathy 1A. Also called: Bethlem myopathy 1; Bethlem Muscular Dystrophy; MYOPATHY, BENIGN CONGENITAL, WITH CONTRACTURES. Identifiers: Orphanet 610, MedGen CN029274, MONDO:0024530, OMIM 158810.

Submission:

Labcorp Genetics (formerly Invitae), Labcorp
Classification: Likely pathogenic for Bethlem myopathy 1A. Last evaluated: 2021-10-31. Review status: criteria provided, single submitter. Criteria: Invitae Variant Classification Sherloc (09022015). Collection method: clinical testing. Allele origin: germline.
Comment: This variant, c.971_979del, results in the deletion of 3 amino acid(s) of the COL6A1 protein (p.Lys324_Gly326del), but otherwise preserves the integrity of the reading frame. This variant disrupts the triple helix domain of COL6A1. Glycine residues within the Gly-Xaa-Yaa repeats of the triple helix domain are required for the structure and stability of fibrillar collagens (PMID: 7695699, 8218237, 19344236). In COL6A1, variants at these glycine residues are significantly enriched in individuals with autosomal dominant disease (PMID: 15689448, 24038877) compared to the general population (ExAC). This variant is also known as c.967_975del9 (p.Gly323_Lys325del). This variant has been observed in individual(s) with autosomal dominant COL6A1-related conditions (PMID: 17785673, 34167565). In at least one individual the variant was observed to be de novo. This variant is not present in population databases (gnomAD no frequency). In summary, the currently available evidence indicates that the variant is pathogenic, but additional data are needed to prove that conclusively. Therefore, this variant has been classified as Likely Pathogenic.

Literature cited by the submitters: PubMed 7695699; PubMed 8218237; PubMed 19344236; PubMed 15689448; PubMed 24038877; PubMed 17785673; PubMed 34167565.

NM_001848.3(COL6A1):c.971_979del (p.Lys324_Gly326del)

Gene: COL6A1 (collagen type VI alpha 1 chain; plus strand). Cytogenetic location: 21q22.3.
Variant type: Deletion.
Coding change: c.971_979del on transcript NM_001848.3 (MANE Select); coding-DNA positions 971 to 979, 9 bases deleted (AGCGTGGCA; older notation c.971_979delAGCGTGGCA).
Protein change: p.Lys324_Gly326del.
Molecular consequence: inframe deletion.
Genome position (GRCh38, 1-based): chr21:45,990,391-45,990,399, AGCGTGGCA deleted; deleting any 9 consecutive bases within chr21:45,990,387-45,990,399 gives the same sequence; the c. name uses the placement nearest the transcript's 3' end. VCF-style (leftmost placement, unchanged base first): chr21-45990386-GGGCAAGCGT-G. GRCh37 (hg19) VCF-style: chr21-47410300-GGGCAAGCGT-G.
Identifiers: ClinVar variation 1501565 (VCV001501565.6), dbSNP rs2123472068, ClinGen allele CA2573157624.